The following is an entry in ClinVar:

NM_006017.3(PROM1):c.42C>T (p.Cys14=)

Gene: PROM1 (prominin 1; minus strand). Cytogenetic location: 4p15.32.
Variant type: single nucleotide variant.
Coding change: c.42C>T on transcript NM_006017.3 (MANE Select); coding-DNA position 42, C replaced by T.
Protein change: p.Cys14=; no amino-acid change (cysteine 14 retained).
Molecular consequence: synonymous variant.
Genome position (GRCh38, 1-based): chr4:16,075,865, G>A on the plus strand (C>T on the coding strand, the complement: PROM1 is on the minus strand). VCF-style: chr4-16075865-G-A. GRCh37 (hg19) VCF-style: chr4-16077488-G-A.
Other names: c.42C>T (NM_006017.2); c.42C>T, p.Cys14= (NM_001145847.2, NM_001145848.2, NM_001145849.2 and 6 more transcripts).
Identifiers: ClinVar variation 1934450 (VCV001934450.6), dbSNP rs758376095, ClinGen allele CA2867199.

ClinVar aggregate classification (germline): Likely benign. Review status: criteria provided, multiple submitters, no conflicts (2 of 4 stars). 2 submissions from 2 submitters: Likely benign (2). Last evaluated 2025-09-02.

Conditions:
PROM1-related disorder. Also called: PROM1-related condition; PROM1-related disorders.

Allele frequency attached by ClinVar (database versions not stated): gnomAD exomes 0.00001; ExAC 0.00005.
gnomAD v4.1: 21 of 1,613,230 alleles (0.0013%); highest among the groups gnomAD compares: Admixed American, 0.018%; no homozygotes.

Submissions (2):

Labcorp Genetics (formerly Invitae), Labcorp
Classification: Likely benign. Last evaluated: 2025-09-02. Review status: criteria provided, single submitter. Criteria: Invitae Variant Classification Sherloc (09022015). Collection method: clinical testing. Allele origin: germline.

PreventionGenetics, part of Exact Sciences
Classification: Likely benign for PROM1-related condition. Last evaluated: 2025-05-20. Review status: criteria provided, single submitter. Criteria: ACMG Guidelines, 2015. Collection method: clinical testing. Allele origin: germline.
Comment: This variant is classified as likely benign based on ACMG/AMP sequence variant interpretation guidelines (Richards et al. 2015 PMID: 25741868, with internal and published modifications).